The following is an entry in ClinVar:

ClinVar aggregate classification (germline): Uncertain significance. Review status: criteria provided, multiple submitters, no conflicts (2 of 4 stars). 4 submissions from 4 submitters: Uncertain significance (4). Last evaluated 2025-05-27.

Conditions:
Cardiovascular phenotype. Identifiers: MedGen CN230736.

Allele frequency attached by ClinVar (database versions not stated): TOPMed 0.00002; gnomAD 0.00003.
gnomAD v4.1: 29 of 1,550,178 alleles (0.0019%); highest among the groups gnomAD compares: Non-Finnish European, 0.0025%; no homozygotes.

Submissions (4):

Women's Health and Genetics/Laboratory Corporation of America, LabCorp
Classification: Uncertain significance. Last evaluated: 2025-05-27. Review status: criteria provided, single submitter. Criteria: LabCorp Variant Classification Summary - May 2015. Collection method: clinical testing. Allele origin: germline.
Comment: Variant summary: ZNF469 c.6047C>T (p.Ala2016Val) results in a non-conservative amino acid change in the encoded protein sequence. Algorithms developed to predict the effect of missense changes on protein structure and function are either unavailable or do not agree on the potential impact of this missense change. The variant was absent in 152878 control chromosomes. The available data on variant occurrences in the general population are insufficient to allow any conclusion about variant significance. To our knowledge, no occurrence of c.6047C>T in individuals affected with Brittle cornea syndrome 1 and no experimental evidence demonstrating its impact on protein function have been reported. ClinVar contains an entry for this variant (Variation ID: 1750745). Based on the evidence outlined above, the variant was classified as uncertain significance.

Ambry Genetics
Classification: Uncertain significance for Cardiovascular phenotype. Last evaluated: 2024-12-20. Review status: criteria provided, single submitter. Criteria: Ambry Variant Classification Scheme 2023. Collection method: clinical testing. Allele origin: germline.
Comment: The p.A1988V variant (also known as c.5963C>T), located in coding exon 2 of the ZNF469 gene, results from a C to T substitution at nucleotide position 5963. The alanine at codon 1988 is replaced by valine, an amino acid with similar properties. This amino acid position is poorly conserved in available vertebrate species. In addition, this alteration is predicted to be tolerated by in silico analysis. Since supporting evidence is limited at this time, the clinical significance of this alteration remains unclear.

Mayo Clinic Laboratories, Mayo Clinic
Classification: Uncertain significance. Last evaluated: 2024-03-27. Review status: criteria provided, single submitter. Criteria: ACMG Guidelines, 2015. Collection method: clinical testing. Allele origin: germline. Observed: 1 variant allele.
Comment: BP4, PM2

GeneDx
Classification: Uncertain significance. Last evaluated: 2022-10-14. Review status: criteria provided, single submitter. Criteria: GeneDx Variant Classification Process June 2021. Collection method: clinical testing. Allele origin: germline. Affected: yes.
Comment: Not observed at significant frequency in large population cohorts (gnomAD); In silico analysis supports that this missense variant does not alter protein structure/function; Has not been previously published as pathogenic or benign to our knowledge

NM_001367624.2(ZNF469):c.6047C>T (p.Ala2016Val)

Gene: ZNF469 (zinc finger protein 469; plus strand). Cytogenetic location: 16q24.2.
Variant type: single nucleotide variant.
Coding change: c.6047C>T on transcript NM_001367624.2 (MANE Select); coding-DNA position 6047, C replaced by T.
Protein change: p.Ala2016Val; replaces alanine 2016 with valine.
Molecular consequence: missense variant.
Genome position (GRCh38, 1-based): chr16:88,433,517, C>T. VCF-style: chr16-88433517-C-T. GRCh37 (hg19) VCF-style: chr16-88499925-C-T.
Other names: NM_001127464.1:c.5963C>T; p.Ala2016Val; short protein forms A2016V.
Identifiers: ClinVar variation 1750745 (VCV001750745.7), dbSNP rs1472673708, ClinGen allele CA397103719.